The following is an entry in ClinVar:

NM_000127.3(EXT1):c.2101C>T (p.Arg701Ter)

Gene: EXT1 (exostosin glycosyltransferase 1; minus strand). Cytogenetic location: 8q24.11.
Variant type: single nucleotide variant.
Coding change: c.2101C>T on transcript NM_000127.3 (MANE Select); coding-DNA position 2101, C replaced by T.
Protein change: p.Arg701Ter; replaces arginine 701 with a stop codon.
Molecular consequence: nonsense.
Genome position (GRCh38, 1-based): chr8:117,799,852, G>A on the plus strand (C>T on the coding strand, the complement: EXT1 is on the minus strand). VCF-style: chr8-117799852-G-A. GRCh37 (hg19) VCF-style: chr8-118812091-G-A.
Other names: short protein forms R701*.
Identifiers: ClinVar variation 488691 (VCV000488691.49), dbSNP rs1363815113, ClinGen allele CA371890190.

ClinVar aggregate classification (germline): Pathogenic/Likely pathogenic. Review status: criteria provided, multiple submitters, no conflicts (2 of 4 stars). 8 submissions from 8 submitters: Pathogenic (6); Likely pathogenic (2). Last evaluated 2026-01-29.

Conditions:
EXT1-related disorders.
Exostoses, multiple, type 1 (EXT1). Also called: Hereditary Multiple Osteochondromatosis, Type I; EXOSTOSES, MULTIPLE, TYPE I. Identifiers: MedGen CN263289, MONDO:0007585, OMIM 133700.
EXT1-related disorder. Also called: EXT1-related condition.
Multiple congenital exostosis (EXT). Also called: MULTIPLE CARTILAGINOUS EXOSTOSES; Hereditary multiple exostoses; Hereditary multiple exostosis; Multiple osteochondromas; Hereditary multiple osteochondromas; Multiple exostoses. Identifiers: Orphanet 321, MedGen C0015306, MONDO:0005508, HP:0002762.

Allele frequency attached by ClinVar (database versions not stated): gnomAD exomes below 0.00001.
gnomAD v4.1: 3 of 1,614,154 alleles (0.00019%); highest among the groups gnomAD compares: Non-Finnish European, 0.00025%; no homozygotes.

Submissions (8):

PreventionGenetics, part of Exact Sciences
Classification: Pathogenic for EXT1-related condition. Last evaluated: 2026-01-29. Review status: criteria provided, single submitter. Criteria: ACMG Guidelines, 2015. Collection method: clinical testing. Allele origin: germline.
Comment: The EXT1 c.2101C>T variant is predicted to result in premature protein termination (p.Arg701*). This variant has been reported in individuals with hereditary multiple osteochondromas (HMO, Seki et al. 2001. PubMed ID: 11170095; Tanteles et al. 2015. PubMed ID: 26690531; Borovikov et al. 2024. DOI 10.1155/2024/8849348). This variant is reported in 0.00089% of alleles in individuals of European (non-Finnish) descent in gnomAD and has been interpreted as pathogenic, or likely pathogenic in the ClinVar database. Nonsense variants in EXT1 are expected to be pathogenic. Of note, this nonsense variant resides in the last exon of EXT1 and is not expected to undergo nonsense mediated decay; however, a few downstream protein truncating variants have been reported in individuals with HMO (see for example: Jennes et al. 2009. PubMed ID: 19810120). Taken together, this variant is interpreted as pathogenic.

Labcorp Genetics (formerly Invitae), Labcorp
Classification: Pathogenic for Multiple congenital exostosis. Last evaluated: 2026-01-18. Review status: criteria provided, single submitter. Criteria: Invitae Variant Classification Sherloc (09022015). Collection method: clinical testing. Allele origin: germline.
Comment: This sequence change creates a premature translational stop signal (p.Arg701*) in the EXT1 gene. While this is not anticipated to result in nonsense mediated decay, it is expected to disrupt the last 46 amino acid(s) of the EXT1 protein. This variant is not present in population databases (gnomAD no frequency). This premature translational stop signal has been observed in individual(s) with hereditary multiple osteochondromas (PMID: 11170095, 26690531). Invitae Evidence Modeling of clinical and family history, age, sex, and reported ancestry of multiple individuals with this EXT1 variant has been performed. This variant is expected to be pathogenic with a positive predictive value of at least 99%. This is a validated machine learning model that incorporates the clinical features of 66,185 individuals referred to our laboratory for EXT1 testing. ClinVar contains an entry for this variant (Variation ID: 488691). Algorithms developed to predict the effect of sequence changes on RNA splicing suggest that this variant may disrupt the consensus splice site. For these reasons, this variant has been classified as Pathogenic.

3billion
Classification: Likely pathogenic for Exostoses, multiple, type 1. Last evaluated: 2025-01-08. Review status: criteria provided, single submitter. Criteria: ACMG Guidelines, 2015. Collection method: clinical testing. Allele origin: germline. Affected: yes.
Comment: The variant is observed at an extremely low frequency in the gnomAD v4.1.0 dataset (total allele frequency: <0.001%). Predicted Consequence/Location: Stop-gained (nonsense): predicted to result in a loss or disruption of normal protein function through protein truncation. The predicted truncated protein may be shortened by less than 10%. In silico tools predict the variant to alter splicing and produce an abnormal transcript [SpliceAI: 0.33 (spliceogenicity >=0.2, non-spliceogenicity <0.1)]. The variant has been reported at least twice as pathogenic with clinical assertions and evidence for the classification (ClinVar ID: VCV000488691 /PMID: 11170095). Therefore, this variant is classified as Likely pathogenic according to the recommendation of ACMG/AMP guideline.

Clinical Genomics Laboratory, Washington University in St. Louis
Classification: Pathogenic for Exostoses, multiple, type 1. Last evaluated: 2023-07-21. Review status: criteria provided, single submitter. Criteria: ACMG Guidelines, 2015. Collection method: clinical testing. Allele origin: germline. Affected: yes.
Comment: The EXT1 c.2101C>T (p.Arg701*) variant has been reported in at least three individuals affected with multiple exostoses (Kojima H et al., PMID: 18976157; Seki H et al., PMID: 11170095; Tanteles GA et al., PMID: 26690531). This variant has been reported in the ClinVar database as a germline pathogenic variant by 3 submitters. This variant is only observed on 1/250,454 alleles in the general population (gnomAD v.2.1.1), indicating it is not a common variant. This variant introduces a premature termination codon; however, because this occurs in the last exon, this is not predicted to lead to nonsense mediated decay but is expected to remove ~6% of the protein including the glycosyl transferase domain. Based on available information and the ACMG/AMP guidelines for variant interpretation (Richards S et al., PMID: 25741868), this variant is classified as pathogenic.

CeGaT Center for Human Genetics Tuebingen
Classification: Likely pathogenic. Last evaluated: 2023-03-01. Review status: criteria provided, single submitter. Criteria: CeGaT Center For Human Genetics Tuebingen Variant Classification Criteria Version 2. Collection method: clinical testing. Allele origin: germline. Affected: yes. Observed: 2 variant alleles.
Comment: EXT1: PM2, PVS1:Moderate, PS2:Supporting, PS4:Supporting

Blueprint Genetics
Classification: Pathogenic for EXT1-related disorders. Last evaluated: 2022-08-16. Review status: criteria provided, single submitter. Criteria: ACMG Guidelines, 2015. Collection method: clinical testing. Allele origin: germline. Affected: yes. Observed: 1 variant allele.

GeneDx
Classification: Pathogenic. Last evaluated: 2020-08-21. Review status: criteria provided, single submitter. Criteria: GeneDx Variant Classification Process June 2021. Collection method: clinical testing. Allele origin: germline. Affected: yes.
Comment: Nonsense variant predicted to result in protein truncation or nonsense mediated decay in a gene for which loss-of-function is a known mechanism of disease; Not observed at a significant frequency in large population cohorts (Lek et al., 2016); This variant is associated with the following publications: (PMID: 11170095, 18976157, 26690531, 12032595)

Clinical Genetics Service, Universitary Hospital 12 de Octubre
Classification: Pathogenic for Exostoses, multiple, type 1. Review status: criteria provided, single submitter. Criteria: ACMG Guidelines, 2015. Collection method: clinical testing. Allele origin: germline. Affected: yes.

Literature cited by the submitters: PubMed 11170095 (cited by Labcorp Genetics (formerly Invitae), Labcorp and 3billion); PubMed 26690531 (cited by Labcorp Genetics (formerly Invitae), Labcorp).